The following is an entry in ClinVar:

NM_001271.4(CHD2):c.3830G>C (p.Gly1277Ala)

Gene: CHD2 (chromodomain helicase DNA binding protein 2; plus strand). Cytogenetic location: 15q26.1.
Variant type: single nucleotide variant.
Coding change: c.3830G>C on transcript NM_001271.4 (MANE Select); coding-DNA position 3830, G replaced by C.
Protein change: p.Gly1277Ala; replaces glycine 1277 with alanine.
Molecular consequence: missense variant.
Genome position (GRCh38, 1-based): chr15:92,997,348, G>C. VCF-style: chr15-92997348-G-C. GRCh37 (hg19) VCF-style: chr15-93540578-G-C.
Other names: c.3830G>C (NM_001271.3); short protein forms G1277A.
Identifiers: ClinVar variation 2002481 (VCV002002481.5), dbSNP rs2505590886, ClinGen allele CA393898609.

ClinVar aggregate classification (germline): Conflicting classifications of pathogenicity. Review status: criteria provided, conflicting classifications (1 of 4 stars). 2 submissions from 2 submitters: Pathogenic (1); Uncertain significance (1). Last evaluated 2024-10-23.

Conditions:
Developmental and epileptic encephalopathy 94 (DEE94). Also called: CHD2-Related Neurodevelopmental Disorders; Epileptic encephalopathy, childhood-onset. Identifiers: Orphanet 1942, Orphanet 2382, MedGen C3809278, MONDO:0014150, OMIM 615369.

Submissions (2):

Labcorp Genetics (formerly Invitae), Labcorp
Classification: Pathogenic for Developmental and epileptic encephalopathy 94. Last evaluated: 2024-10-23. Review status: criteria provided, single submitter. Criteria: Invitae Variant Classification Sherloc (09022015). Collection method: clinical testing. Allele origin: germline.
Comment: This sequence change replaces glycine, which is neutral and non-polar, with alanine, which is neutral and non-polar, at codon 1277 of the CHD2 protein (p.Gly1277Ala). This variant is not present in population databases (gnomAD no frequency). This missense change has been observed in individual(s) with clinical features of CHD2-related conditions (internal data). In at least one individual the variant was observed to be de novo. ClinVar contains an entry for this variant (Variation ID: 2002481). Invitae Evidence Modeling of protein sequence and biophysical properties (such as structural, functional, and spatial information, amino acid conservation, physicochemical variation, residue mobility, and thermodynamic stability) indicates that this missense variant is expected to disrupt CHD2 protein function with a positive predictive value of 80%. For these reasons, this variant has been classified as Pathogenic.

GeneDx
Classification: Uncertain significance. Last evaluated: 2023-08-03. Review status: criteria provided, single submitter. Criteria: GeneDx Variant Classification Process June 2021. Collection method: clinical testing. Allele origin: germline. Affected: yes.
Comment: Not observed at significant frequency in large population cohorts (gnomAD); In silico analysis supports that this missense variant has a deleterious effect on protein structure/function; Has not been previously published as pathogenic or benign to our knowledge